The following is an entry in ClinVar:

ClinVar aggregate classification (germline): Pathogenic (1 of 4 stars; one submission).

Conditions:
Pyridoxine-dependent epilepsy (EPEO4). Also called: Pyridoxine-Dependent Seizures; PYRIDOXINE DEPENDENCY WITH SEIZURES; EPILEPSY, EARLY-ONSET, 4, VITAMIN B6-DEPENDENT; Pyridoxine-Dependent Epilepsy - ALDH7A1. Identifiers: Orphanet 3006, MedGen C1849508, MONDO:0009945, OMIM 266100. Disease mechanism: loss of function.

Submission:

Labcorp Genetics (formerly Invitae), Labcorp
Classification: Pathogenic for Pyridoxine-dependent epilepsy. Last evaluated: 2024-01-24. Review status: criteria provided, single submitter. Criteria: Invitae Variant Classification Sherloc (09022015). Collection method: clinical testing. Allele origin: germline.
Comment: This sequence change creates a premature translational stop signal (p.Gly392Valfs*18) in the ALDH7A1 gene. It is expected to result in an absent or disrupted protein product. Loss-of-function variants in ALDH7A1 are known to be pathogenic (PMID: 16491085, 20554659). This variant is not present in population databases (gnomAD no frequency). This variant has not been reported in the literature in individuals affected with ALDH7A1-related conditions. For these reasons, this variant has been classified as Pathogenic.

Literature cited by the submitters: PubMed 16491085; PubMed 20554659.

NM_001182.5(ALDH7A1):c.1175del (p.Gly392fs)

Gene: ALDH7A1 (aldehyde dehydrogenase 7 family member A1; minus strand). Cytogenetic location: 5q23.2.
Variant type: Deletion.
Coding change: c.1175del on transcript NM_001182.5 (MANE Select); coding-DNA position 1175, one base deleted (G; older notation c.1175delG).
Protein change: p.Gly392fs; shifts the reading frame from glycine 392.
Molecular consequence: frameshift variant. On other transcripts: intron variant (1).
Genome position (GRCh38, 1-based): chr5:126,554,312, C deleted on the plus strand (G on the coding strand, the reverse complement: ALDH7A1 is on the minus strand); the first of 2 consecutive C bases (chr5:126,554,312-126,554,313); deleting either gives the same sequence. VCF-style (leftmost placement, unchanged base first): chr5-126554311-AC-A. GRCh37 (hg19) VCF-style: chr5-125890003-AC-A.
Other names: c.1091del, p.Gly364fs (NM_001201377.2); c.1009-2175del (NM_001202404.2); short protein forms G392fs, G364fs.
Identifiers: ClinVar variation 2711144 (VCV002711144.3), dbSNP rs2480263091, ClinGen allele CA2697546427.